The following is an entry in ClinVar:

ClinVar aggregate classification (germline): Uncertain significance. Review status: criteria provided, multiple submitters, no conflicts (2 of 4 stars). 2 submissions from 2 submitters: Uncertain significance (2). Last evaluated 2025-10-23.

Conditions:
Autosomal recessive nonsyndromic hearing loss 77. Identifiers: Orphanet 90636, MedGen C2746083, MONDO:0013119, OMIM 613079.

Allele frequency attached by ClinVar (database versions not stated): gnomAD exomes 0.00001; gnomAD 0.00002; TOPMed 0.00003.
gnomAD v4.1: 18 of 1,551,748 alleles (0.0012%); highest among the groups gnomAD compares: Non-Finnish European, 0.0015%; no homozygotes.

Submissions (2):

Myriad Genetics, Inc.
Classification: Uncertain significance for Autosomal recessive nonsyndromic hearing loss 77. Last evaluated: 2025-10-23. Review status: criteria provided, single submitter. Criteria: Myriad Autosomal Dominant, Autosomal Recessive and X-Linked Classification Criteria (2023). Collection method: clinical testing. Allele origin: unknown.
Comment: NM_144612.6(LOXHD1):c.159T>G(D53E) is a missense variant classified as a variant of uncertain significance in the context of nonsyndromic hearing loss, LOXHD1-related. D53E has been observed in a case with relevant disease (PMID: 22341973). Relevant functional assessments of this variant are not available in the literature. D53E has been observed in referenced population frequency databases. In summary, there is insufficient evidence to classify NM_144612.6(LOXHD1):c.159T>G(D53E) as pathogenic or benign. Please note: this variant was assessed in the context of healthy population screening.

Labcorp Genetics (formerly Invitae), Labcorp
Classification: Uncertain significance. Last evaluated: 2022-03-09. Review status: criteria provided, single submitter. Criteria: Invitae Variant Classification Sherloc (09022015). Collection method: clinical testing. Allele origin: germline.
Comment: This sequence change replaces aspartic acid, which is acidic and polar, with glutamic acid, which is acidic and polar, at codon 53 of the LOXHD1 protein (p.Asp53Glu). This variant is present in population databases (no rsID available, gnomAD 0.002%). This missense change has been observed in individual(s) with Fuchs corneal dystrophy (PMID: 22341973). Algorithms developed to predict the effect of missense changes on protein structure and function are either unavailable or do not agree on the potential impact of this missense change (SIFT: "Deleterious"; PolyPhen-2: "Not Available"; Align-GVGD: "Class C0"). In summary, the available evidence is currently insufficient to determine the role of this variant in disease. Therefore, it has been classified as a Variant of Uncertain Significance.

Literature cited by the submitters: PubMed 22341973 (cited by Myriad Genetics, Inc. and Labcorp Genetics (formerly Invitae), Labcorp).

NM_001384474.1(LOXHD1):c.159T>G (p.Asp53Glu)

Gene: LOXHD1 (lipoxygenase homology PLAT domains 1; minus strand). Cytogenetic location: 18q21.1.
Variant type: single nucleotide variant.
Coding change: c.159T>G on transcript NM_001384474.1 (MANE Select); coding-DNA position 159, T replaced by G.
Protein change: p.Asp53Glu; replaces aspartic acid 53 with glutamic acid.
Molecular consequence: missense variant.
Genome position (GRCh38, 1-based): chr18:46,649,241, A>C on the plus strand (T>G on the coding strand, the complement: LOXHD1 is on the minus strand). VCF-style: chr18-46649241-A-C. GRCh37 (hg19) VCF-style: chr18-44229204-A-C.
Other names: c.159T>G, p.Asp53Glu (NM_144612.7); short protein forms D53E.
Identifiers: ClinVar variation 2138150 (VCV002138150.2), dbSNP rs980201296, ClinGen allele CA299811805.